The following is an entry in ClinVar:

NM_005188.4(CBL):c.639T>G (p.His213Gln)

Gene: CBL (Cbl proto-oncogene; plus strand). Cytogenetic location: 11q23.3.
Variant type: single nucleotide variant.
Coding change: c.639T>G on transcript NM_005188.4 (MANE Select); coding-DNA position 639, T replaced by G.
Protein change: p.His213Gln; replaces histidine 213 with glutamine.
Molecular consequence: missense variant.
Genome position (GRCh38, 1-based): chr11:119,273,916, T>G. VCF-style: chr11-119273916-T-G. GRCh37 (hg19) VCF-style: chr11-119144626-T-G.
Other names: short protein forms H213Q.
Identifiers: ClinVar variation 3485629 (VCV003485629.3).

ClinVar aggregate classification (germline): Uncertain significance. Review status: criteria provided, multiple submitters, no conflicts (2 of 4 stars). 2 submissions from 2 submitters: Uncertain significance (2). Last evaluated 2024-12-04.

Conditions:
Cardiovascular phenotype. Identifiers: MedGen CN230736.
RASopathy. Also called: rasopathies; Noonan spectrum disorder. Identifiers: Orphanet 536391, MedGen C5555857, MONDO:0021060.

Submissions (2):

Ambry Genetics
Classification: Uncertain significance for Cardiovascular phenotype. Last evaluated: 2024-12-04. Review status: criteria provided, single submitter. Criteria: Ambry Variant Classification Scheme 2023. Collection method: clinical testing. Allele origin: germline.
Comment: The p.H213Q variant (also known as c.639T>G), located in coding exon 4 of the CBL gene, results from a T to G substitution at nucleotide position 639. The histidine at codon 213 is replaced by glutamine, an amino acid with highly similar properties. This amino acid position is conserved. In addition, this alteration is predicted to be deleterious by in silico analysis. Based on the available evidence, the clinical significance of this variant remains unclear.

Labcorp Genetics (formerly Invitae), Labcorp
Classification: Uncertain significance for RASopathy. Last evaluated: 2024-07-10. Review status: criteria provided, single submitter. Criteria: Invitae Variant Classification Sherloc (09022015). Collection method: clinical testing. Allele origin: germline.
Comment: This sequence change replaces histidine, which is basic and polar, with glutamine, which is neutral and polar, at codon 213 of the CBL protein (p.His213Gln). This variant is not present in population databases (gnomAD no frequency). This variant has not been reported in the literature in individuals affected with CBL-related conditions. Advanced modeling of protein sequence and biophysical properties (such as structural, functional, and spatial information, amino acid conservation, physicochemical variation, residue mobility, and thermodynamic stability) has been performed at Invitae for this missense variant, however the output from this modeling did not meet the statistical confidence thresholds required to predict the impact of this variant on CBL protein function. In summary, the available evidence is currently insufficient to determine the role of this variant in disease. Therefore, it has been classified as a Variant of Uncertain Significance.